The following is an entry in ClinVar:

ClinVar aggregate classification (germline): Uncertain significance. Review status: criteria provided, multiple submitters, no conflicts (2 of 4 stars). 2 submissions from 2 submitters: Uncertain significance (2). Last evaluated 2021-09-02.

Conditions:
Primary ciliary dyskinesia 23 (CILD23). Also called: CILIARY DYSKINESIA, PRIMARY, 23, WITH OR WITHOUT SITUS INVERSUS. Identifiers: Orphanet 244, MedGen C3809548, MONDO:0014193, OMIM 615451.
Primary ciliary dyskinesia. Also called: Ciliary dyskinesia. Identifiers: Orphanet 244, MedGen C0008780, MONDO:0016575, HP:0012265.

Allele frequency attached by ClinVar (database versions not stated): gnomAD exomes 0.00003 and 0.00010; gnomAD 0.00006; ExAC 0.00015.

Submissions (2):

Labcorp Genetics (formerly Invitae), Labcorp
Classification: Uncertain significance for Primary ciliary dyskinesia 23. Last evaluated: 2021-09-02. Review status: criteria provided, single submitter. Criteria: Invitae Variant Classification Sherloc (09022015). Collection method: clinical testing. Allele origin: germline.
Comment: This sequence change replaces leucine with phenylalanine at codon 397 of the ARMC4 protein (p.Leu397Phe). The leucine residue is weakly conserved and there is a small physicochemical difference between leucine and phenylalanine. The frequency data for this variant in the population databases is considered unreliable, as metrics indicate poor data quality at this position in the ExAC database. This variant has not been reported in the literature in individuals affected with ARMC4-related conditions. Algorithms developed to predict the effect of missense changes on protein structure and function (SIFT, PolyPhen-2, Align-GVGD) all suggest that this variant is likely to be tolerated. In summary, the available evidence is currently insufficient to determine the role of this variant in disease. Therefore, it has been classified as a Variant of Uncertain Significance.

Ambry Genetics
Classification: Uncertain significance for Primary ciliary dyskinesia. Last evaluated: 2021-01-11. Review status: criteria provided, single submitter. Criteria: Ambry Variant Classification Scheme 2023. Collection method: clinical testing. Allele origin: germline.
Comment: The p.L397F variant (also known as c.1189C>T), located in coding exon 8 of the ARMC4 gene, results from a C to T substitution at nucleotide position 1189. The leucine at codon 397 is replaced by phenylalanine, an amino acid with highly similar properties. This amino acid position is not well conserved in available vertebrate species. In addition, this alteration is predicted to be tolerated by in silico analysis. Since supporting evidence is limited at this time, the clinical significance of this alteration remains unclear.

NM_018076.5(ODAD2):c.1189C>T (p.Leu397Phe)

Gene: ODAD2 (outer dynein arm docking complex subunit 2; minus strand). Cytogenetic location: 10p12.1.
Variant type: single nucleotide variant.
Coding change: c.1189C>T on transcript NM_018076.5 (MANE Select); coding-DNA position 1189, C replaced by T.
Protein change: p.Leu397Phe; replaces leucine 397 with phenylalanine.
Molecular consequence: missense variant. On other transcripts: intron variant (1).
Genome position (GRCh38, 1-based): chr10:27,968,972, G>A on the plus strand (C>T on the coding strand, the complement: ODAD2 is on the minus strand). VCF-style: chr10-27968972-G-A. GRCh37 (hg19) VCF-style: chr10-28257901-G-A.
Other names: c.1189C>T, p.Leu397Phe (NM_001290020.2); c.265C>T, p.Leu89Phe (NM_001312689.2); c.-187-7257C>T (NM_001290021.2); short protein forms L397F, L89F.
Identifiers: ClinVar variation 474570 (VCV000474570.8), dbSNP rs753807004, ClinGen allele CA5453624.